The following is an entry in ClinVar:

ClinVar aggregate classification (germline): Uncertain significance (1 of 4 stars; one submission).

Conditions:
Kabuki syndrome 2 (KABUK2). Also called: KDM6A-Related Kabuki Syndrome. Identifiers: Orphanet 2322, MedGen C3275495, MONDO:0010465, OMIM 300867.

Submission:

Labcorp Genetics (formerly Invitae), Labcorp
Classification: Uncertain significance for Kabuki syndrome 2. Last evaluated: 2020-03-20. Review status: criteria provided, single submitter. Criteria: Invitae Variant Classification Sherloc (09022015). Collection method: clinical testing. Allele origin: germline.
Comment: In summary, the available evidence is currently insufficient to determine the role of this variant in disease. Therefore, it has been classified as a Variant of Uncertain Significance. Algorithms developed to predict the effect of missense changes on protein structure and function (SIFT, PolyPhen-2, Align-GVGD) all suggest that this variant is likely to be tolerated, but these predictions have not been confirmed by published functional studies and their clinical significance is uncertain. This variant has not been reported in the literature in individuals with KDM6A-related conditions. This variant is not present in population databases (ExAC no frequency). This sequence change replaces threonine with alanine at codon 588 of the KDM6A protein (p.Thr588Ala). The threonine residue is highly conserved and there is a small physicochemical difference between threonine and alanine.

NM_001291415.2(KDM6A):c.1918A>G (p.Thr640Ala)

Gene: KDM6A (lysine demethylase 6A; plus strand). Cytogenetic location: Xp11.3.
Variant type: single nucleotide variant.
Coding change: c.1918A>G on transcript NM_001291415.2 (MANE Select); coding-DNA position 1918, A replaced by G.
Protein change: p.Thr640Ala; replaces threonine 640 with alanine.
Molecular consequence: missense variant. On other transcripts: non-coding transcript variant (1).
Genome position (GRCh38, 1-based): chrX:45,063,656, A>G. VCF-style: chrX-45063656-A-G. GRCh37 (hg19) VCF-style: chrX-44922901-A-G.
Other names: c.1783A>G, p.Thr595Ala (NM_001291416.2); c.1627A>G, p.Thr543Ala (NM_001291417.2); c.1525A>G, p.Thr509Ala (NM_001291418.2); c.874A>G, p.Thr292Ala (NM_001291421.2); c.1762A>G, p.Thr588Ala (NM_021140.4); short protein forms T292A, T509A, T543A, T588A, T595A, T640A.
Identifiers: ClinVar variation 999964 (VCV000999964.8), dbSNP rs2044400766, ClinGen allele CA412789749.